The following is an entry in ClinVar:

ClinVar aggregate classification (germline): Uncertain significance (1 of 4 stars; one submission).

Allele frequency attached by ClinVar (database versions not stated): gnomAD exomes below 0.00001; ExAC 0.00001.
gnomAD v4.1: 1 of 1,610,190 alleles (0.000062%); highest among the groups gnomAD compares: South Asian, 0.0011%; no homozygotes.

Submission:

GeneDx
Classification: Uncertain significance. Last evaluated: 2022-09-27. Review status: criteria provided, single submitter. Criteria: GeneDx Variant Classification Process June 2021. Collection method: clinical testing. Allele origin: germline. Affected: yes.
Comment: Not observed at significant frequency in large population cohorts (gnomAD); In silico analysis supports that this missense variant has a deleterious effect on protein structure/function; Has not been previously published as pathogenic or benign to our knowledge

NM_004447.6(EPS8):c.884C>G (p.Ser295Cys)

Gene: EPS8 (EGFR pathway substrate 8, signaling adaptor; minus strand). Cytogenetic location: 12p12.3.
Variant type: single nucleotide variant.
Coding change: c.884C>G on transcript NM_004447.6 (MANE Select); coding-DNA position 884, C replaced by G.
Protein change: p.Ser295Cys; replaces serine 295 with cysteine.
Molecular consequence: missense variant. On other transcripts: non-coding transcript variant (3).
Genome position (GRCh38, 1-based): chr12:15,660,667, G>C on the plus strand (C>G on the coding strand, the complement: EPS8 is on the minus strand). VCF-style: chr12-15660667-G-C. GRCh37 (hg19) VCF-style: chr12-15813601-G-C.
Other names: c.884C>G, p.Ser295Cys (NM_001413831.1, NM_001413832.1, NM_001413833.1 and 2 more transcripts); c.644C>G, p.Ser215Cys (NM_001413835.1, NM_001413836.1); c.467C>G, p.Ser156Cys (NM_001413837.1); c.104C>G, p.Ser35Cys (NM_001413838.1); short protein forms S156C, S215C, S295C, S35C.
Identifiers: ClinVar variation 2446214 (VCV002446214.1), dbSNP rs768018640, ClinGen allele CA6467727.